The following is an entry in ClinVar:

ClinVar aggregate classification (germline): Uncertain significance (1 of 4 stars; one submission).

Allele frequency attached by ClinVar (database versions not stated): TOPMed below 0.00001.

Submission:

Labcorp Genetics (formerly Invitae), Labcorp
Classification: Uncertain significance. Last evaluated: 2023-05-13. Review status: criteria provided, single submitter. Criteria: Invitae Variant Classification Sherloc (09022015). Collection method: clinical testing. Allele origin: germline.
Comment: In summary, the available evidence is currently insufficient to determine the role of this variant in disease. Therefore, it has been classified as a Variant of Uncertain Significance. This sequence change replaces alanine, which is neutral and non-polar, with proline, which is neutral and non-polar, at codon 352 of the DVL1 protein (p.Ala352Pro). This variant also falls at the last nucleotide of exon 10, which is part of the consensus splice site for this exon. The frequency data for this variant in the population databases is considered unreliable, as metrics indicate poor data quality at this position in the gnomAD database. This variant has not been reported in the literature in individuals affected with DVL1-related conditions. ClinVar contains an entry for this variant (Variation ID: 2172481). An algorithm developed to predict the effect of missense changes on protein structure and function (PolyPhen-2) suggests that this variant is likely to be disruptive. Variants that disrupt the consensus splice site are a relatively common cause of aberrant splicing (PMID: 17576681, 9536098).

Literature cited by the submitters: PubMed 17576681; PubMed 9536098.

NM_001330311.2(DVL1):c.1054G>C (p.Ala352Pro)

Gene: DVL1 (dishevelled segment polarity protein 1; minus strand). Cytogenetic location: 1p36.33.
Variant type: single nucleotide variant.
Coding change: c.1054G>C on transcript NM_001330311.2 (MANE Select); coding-DNA position 1054, G replaced by C.
Protein change: p.Ala352Pro; replaces alanine 352 with proline.
Molecular consequence: missense variant.
Genome position (GRCh38, 1-based): chr1:1,339,582, C>G on the plus strand (G>C on the coding strand, the complement: DVL1 is on the minus strand). VCF-style: chr1-1339582-C-G. GRCh37 (hg19) VCF-style: chr1-1274962-C-G.
Other names: c.1054G>C, p.Ala352Pro (NM_004421.3); short protein forms A352P.
Identifiers: ClinVar variation 2172481 (VCV002172481.4), dbSNP rs1036119113, ClinGen allele CA16756453.